The following is an entry in ClinVar:

NM_015425.6(POLR1A):c.1600G>A (p.Gly534Arg)

Gene: POLR1A (RNA polymerase I subunit A; minus strand). Cytogenetic location: 2p11.2.
Variant type: single nucleotide variant.
Coding change: c.1600G>A on transcript NM_015425.6 (MANE Select); coding-DNA position 1600, G replaced by A.
Protein change: p.Gly534Arg; replaces glycine 534 with arginine.
Molecular consequence: missense variant.
Genome position (GRCh38, 1-based): chr2:86,075,041, C>T on the plus strand (G>A on the coding strand, the complement: POLR1A is on the minus strand). VCF-style: chr2-86075041-C-T. GRCh37 (hg19) VCF-style: chr2-86302164-C-T.
Other names: short protein forms G534R.
Identifiers: ClinVar variation 2418406 (VCV002418406.6), dbSNP rs1380974491, ClinGen allele CA347550143.

ClinVar aggregate classification (germline): Uncertain significance (1 of 4 stars; one submission).

Allele frequency attached by ClinVar (database versions not stated): gnomAD 0.00001; gnomAD exomes 0.00001; TOPMed 0.00001.
gnomAD v4.1: 10 of 1,608,200 alleles (0.00062%); highest among the groups gnomAD compares: Non-Finnish European, 0.00085%; no homozygotes.

Submission:

Labcorp Genetics (formerly Invitae), Labcorp
Classification: Uncertain significance. Last evaluated: 2025-10-26. Review status: criteria provided, single submitter. Criteria: Invitae Variant Classification Sherloc (09022015). Collection method: clinical testing. Allele origin: germline.
Comment: This sequence change replaces glycine, which is neutral and non-polar, with arginine, which is basic and polar, at codon 534 of the POLR1A protein (p.Gly534Arg). This variant is present in population databases (no rsID available, gnomAD 0.002%). This variant has not been reported in the literature in individuals affected with POLR1A-related conditions. ClinVar contains an entry for this variant (Variation ID: 2418406). Invitae Evidence Modeling of protein sequence and biophysical properties (such as structural, functional, and spatial information, amino acid conservation, physicochemical variation, residue mobility, and thermodynamic stability) indicates that this missense variant is not expected to disrupt POLR1A protein function with a negative predictive value of 80%. In summary, the available evidence is currently insufficient to determine the role of this variant in disease. Therefore, it has been classified as a Variant of Uncertain Significance.